The following is an entry in ClinVar:

NM_001048174.2(MUTYH):c.1393-2A>G

Gene: MUTYH (mutY DNA glycosylase; minus strand). Cytogenetic location: 1p34.1.
Variant type: single nucleotide variant.
Coding change: c.1393-2A>G on transcript NM_001048174.2 (MANE Select); the canonical splice acceptor site of the intron before coding-DNA position 1393, A replaced by G.
Molecular consequence: splice acceptor variant.
Genome position (GRCh38, 1-based): chr1:45,330,559, T>C on the plus strand (A>G on the coding strand, the complement: MUTYH is on the minus strand). VCF-style: chr1-45330559-T-C. GRCh37 (hg19) VCF-style: chr1-45796231-T-C.
Other names: c.1477-2A>G (NM_001128425.1, NM_001128425.2); c.1393-2A>G (NM_001407072.1, NM_001407073.1, NM_001048171.2 and 6 more transcripts); c.1048-2A>G (NM_001350651.2, NM_001350650.2, NM_001407082.1); c.1117-2A>G (NM_001293192.2, NM_001293196.2, NM_001407091.1); c.1438-2A>G (NM_001293190.2); c.1426-2A>G (NM_001407069.1, NM_001407077.1, NM_001293191.2); c.1468-2A>G (NM_012222.3); c.1396-2A>G (NM_001407071.1, NM_001048172.2, NM_001407078.1 and 1 more transcripts); and 5 more.
Identifiers: ClinVar variation 3073160 (VCV003073160.2), dbSNP rs2523849246, ClinGen allele CA340132423.

ClinVar aggregate classification (germline): Likely pathogenic. Review status: criteria provided, multiple submitters, no conflicts (2 of 4 stars). 2 submissions from 2 submitters: Likely pathogenic (2). Last evaluated 2024-11-19.

Conditions:
Familial adenomatous polyposis 2. Also called: COLORECTAL ADENOMATOUS POLYPOSIS, AUTOSOMAL RECESSIVE; ADENOMAS, MULTIPLE COLORECTAL, AUTOSOMAL RECESSIVE; MYH-associated polyposis; MUTYH-associated polyposis; MUTYH-related attenuated familial adenomatous polyposis; MUTYH Polyposis. Identifiers: Orphanet 220460, Orphanet 247798, MedGen C3272841, MONDO:0012041, OMIM 608456.
Hereditary cancer-predisposing syndrome. Also called: Tumor predisposition; Hereditary Cancer Syndrome; Hereditary neoplastic syndrome; Neoplastic Syndromes, Hereditary. Identifiers: Orphanet 140162, MedGen C0027672, MeSH D009386, MONDO:0015356.

Submissions (2):

Ambry Genetics
Classification: Likely pathogenic for Hereditary cancer-predisposing syndrome. Last evaluated: 2024-11-19. Review status: criteria provided, single submitter. Criteria: Ambry Variant Classification Scheme 2023. Collection method: clinical testing. Allele origin: germline.
Comment: The c.1477-2A>G intronic variant results from an A to G substitution two nucleotides upstream from coding exon 15 in the MUTYH gene. This nucleotide position is highly conserved in available vertebrate species. In silico splice site analysis predicts that this alteration will weaken the native splice acceptor site. The resulting transcript is predicted to be in-frame and is not expected to trigger nonsense-mediated mRNAdecay; however, direct evidence is insufficient at this time (Ambry internal data). The exact functional effect of the altered amino acid sequence is unknown; however, the impacted region is critical for protein function (Ambry internal data). This variant is considered to be rare based on population cohorts in the Genome Aggregation Database (gnomAD). Based on the majority of available evidence to date, this variant is likely to be pathogenic.

All of Us Research Program, National Institutes of Health
Classification: Likely pathogenic for Familial adenomatous polyposis 2. Last evaluated: 2023-08-23. Review status: criteria provided, single submitter. Criteria: ACMG Guidelines, 2015. Collection method: clinical testing. Allele origin: germline. Inheritance: Autosomal recessive inheritance. Observed: 1 variant allele, 1 heterozygote.
Comment: This variant causes an A to G nucleotide substitution at the -2 position of intron 14 of the MUTYH gene. Splice site prediction tools predict that this variant may have a significant impact on RNA splicing and abolish the natural acceptor site in intron 14. Although functional studies have not been reported for this variant, it is expected to result in an absent or non-functional protein product. This variant has not been reported in individuals affected with MUTYH-related disorders in the literature. This variant has not been identified in the general population by the Genome Aggregation Database (gnomAD). Loss of MUTYH function is a known mechanism of disease. Based on the available evidence, this variant is classified as Likely Pathogenic.

This study involves interpretation of variants in research participants for the purpose of population health screening. Participant phenotype was not available at the time of variant classification. Additional details can be found in publication PMID: 35346344, PMCID: PMC8962531